The following is an entry in ClinVar:

NM_000094.4(COL7A1):c.5116G>A (p.Gly1706Arg)

Gene: COL7A1 (collagen type VII alpha 1 chain; minus strand). Cytogenetic location: 3p21.31.
Variant type: single nucleotide variant.
Coding change: c.5116G>A on transcript NM_000094.4 (MANE Select); coding-DNA position 5116, G replaced by A.
Protein change: p.Gly1706Arg; replaces glycine 1706 with arginine.
Molecular consequence: missense variant.
Genome position (GRCh38, 1-based): chr3:48,580,039, C>T on the plus strand (G>A on the coding strand, the complement: COL7A1 is on the minus strand). VCF-style: chr3-48580039-C-T. GRCh37 (hg19) VCF-style: chr3-48617472-C-T.
Other names: short protein forms G1706R.
Identifiers: ClinVar variation 2890028 (VCV002890028.3), dbSNP rs995510960, ClinGen allele CA73978942.

ClinVar aggregate classification (germline): Uncertain significance (1 of 4 stars; one submission).

Allele frequency attached by ClinVar (database versions not stated): gnomAD exomes below 0.00001; gnomAD 0.00001; TOPMed 0.00001.
gnomAD v4.1: 6 of 1,613,886 alleles (0.00037%); highest among the groups gnomAD compares: Non-Finnish European, 0.00051%; no homozygotes.

Submission:

Labcorp Genetics (formerly Invitae), Labcorp
Classification: Uncertain significance. Last evaluated: 2024-01-04. Review status: criteria provided, single submitter. Criteria: Invitae Variant Classification Sherloc (09022015). Collection method: clinical testing. Allele origin: germline.
Comment: This sequence change replaces glycine, which is neutral and non-polar, with arginine, which is basic and polar, at codon 1706 of the COL7A1 protein (p.Gly1706Arg). This variant is present in population databases (no rsID available, gnomAD 0.0009%). This variant has not been reported in the literature in individuals affected with COL7A1-related conditions. Advanced modeling of protein sequence and biophysical properties (such as structural, functional, and spatial information, amino acid conservation, physicochemical variation, residue mobility, and thermodynamic stability) performed at Invitae indicates that this missense variant is expected to disrupt COL7A1 protein function with a positive predictive value of 80%. In summary, the available evidence is currently insufficient to determine the role of this variant in disease. Therefore, it has been classified as a Variant of Uncertain Significance.